The following is an entry in ClinVar:

ClinVar aggregate classification (germline): Uncertain significance (1 of 4 stars; one submission).

Submission:

GeneDx
Classification: Uncertain significance. Last evaluated: 2019-12-24. Review status: criteria provided, single submitter. Criteria: GeneDx Variant Classification Process June 2021. Collection method: clinical testing. Allele origin: germline. Affected: yes.
Comment: Not observed in large population cohorts (Lek et al., 2016); In silico analysis, which includes protein predictors and evolutionary conservation, supports a deleterious effect; Has not been previously published as pathogenic or benign to our knowledge

NM_005422.4(TECTA):c.2987G>C (p.Cys996Ser)

Genes: TBCEL-TECTA (TBCEL-TECTA readthrough; plus strand), TECTA (tectorin alpha; plus strand). Cytogenetic location: 11q23.3.
Variant type: single nucleotide variant.
Coding change: c.2987G>C on transcript NM_005422.4 (MANE Select); coding-DNA position 2987, G replaced by C.
Protein change: p.Cys996Ser; replaces cysteine 996 with serine.
Molecular consequence: missense variant.
Genome position (GRCh38, 1-based): chr11:121,137,466, G>C. VCF-style: chr11-121137466-G-C. GRCh37 (hg19) VCF-style: chr11-121008175-G-C.
Other names: c.3944G>C, p.Cys1315Ser (NM_001378761.1); short protein forms C1315S, C996S.
Identifiers: ClinVar variation 1311332 (VCV001311332.2), dbSNP rs1946741178, ClinGen allele CA383018355.
Genomic context (GRCh38, chr11:121,137,466, plus strand): 5'-CTTGACCACCTGCAGCACTGGAGTGCCCAGAGAACAGCCACTTTGAGGAGTGCATCACAT[G>C]TACAGAGACCTGTGAGACCCTTACCCTGGGCCCCATCTGCGTGGATAGCTGCTCTGAGGG-3'
Protein context (NP_005413.2, residues 986-1006): ENSHFEECIT[Cys996Ser]TETCETLTLG